The following is an entry in ClinVar:

NM_182961.4(SYNE1):c.15587G>A (p.Arg5196Gln)

Gene: SYNE1 (spectrin repeat containing nuclear envelope protein 1; minus strand). Cytogenetic location: 6q25.2.
Variant type: single nucleotide variant.
Coding change: c.15587G>A on transcript NM_182961.4 (MANE Select); coding-DNA position 15587, G replaced by A.
Protein change: p.Arg5196Gln; replaces arginine 5196 with glutamine.
Molecular consequence: missense variant.
Genome position (GRCh38, 1-based): chr6:152,325,154, C>T on the plus strand (G>A on the coding strand, the complement: SYNE1 is on the minus strand). VCF-style: chr6-152325154-C-T. GRCh37 (hg19) VCF-style: chr6-152646289-C-T.
Other names: c.15374G>A, p.Arg5125Gln (NM_033071.5); short protein forms R5125Q, R5196Q.
Identifiers: ClinVar variation 1055729 (VCV001055729.9), dbSNP rs752229373, ClinGen allele CA4055743.

ClinVar aggregate classification (germline): Uncertain significance (1 of 4 stars; one submission).

Conditions:
Emery-Dreifuss muscular dystrophy 4, autosomal dominant (EDMD4). Also called: EMERY-DREIFUSS MUSCULAR DYSTROPHY 4 WITH VARIABLE FEATURES. Identifiers: Orphanet 261, MedGen C2751807, MONDO:0013071, OMIM 612998.
Autosomal recessive ataxia, Beauce type. Also called: Spinocerebellar ataxia, autosomal recessive 8; ATAXIA, RECESSIVE, OF BEAUCE; SYNE1 Deficiency; SYNE1-Related Autosomal Recessive Cerebellar Ataxia. Identifiers: Orphanet 88644, MedGen C1853116, MONDO:0012549, OMIM 610743.

Allele frequency attached by ClinVar (database versions not stated): ExAC 0.00001; gnomAD exomes 0.00001.
gnomAD v4.1: 5 of 1,614,180 alleles (0.00031%); highest among the groups gnomAD compares: Admixed American, 0.005%; no homozygotes.

Submission:

Labcorp Genetics (formerly Invitae), Labcorp
Classification: Uncertain significance for Emery-Dreifuss muscular dystrophy 4, autosomal dominant; Autosomal recessive ataxia, Beauce type. Last evaluated: 2022-02-04. Review status: criteria provided, single submitter. Criteria: Invitae Variant Classification Sherloc (09022015). Collection method: clinical testing. Allele origin: germline.
Comment: Algorithms developed to predict the effect of missense changes on protein structure and function are either unavailable or do not agree on the potential impact of this missense change (SIFT: "Tolerated"; PolyPhen-2: "Possibly Damaging"; Align-GVGD: "Class C0"). ClinVar contains an entry for this variant (Variation ID: 1055729). This variant has not been reported in the literature in individuals affected with SYNE1-related conditions. This variant is present in population databases (rs752229373, gnomAD 0.006%). This sequence change replaces arginine, which is basic and polar, with glutamine, which is neutral and polar, at codon 5125 of the SYNE1 protein (p.Arg5125Gln). In summary, the available evidence is currently insufficient to determine the role of this variant in disease. Therefore, it has been classified as a Variant of Uncertain Significance.